The following is an entry in ClinVar:

ClinVar aggregate classification (germline): Pathogenic/Likely pathogenic. Review status: criteria provided, multiple submitters, no conflicts (2 of 4 stars). 2 submissions from 2 submitters: Pathogenic (1); Likely pathogenic (1). Last evaluated 2026-03-22.

Conditions:
Neurodevelopmental disorder with cerebellar atrophy and motor dysfunction. Identifiers: MedGen C5543427, MONDO:0859152, OMIM 619333.

Submissions (2):

GeneDx
Classification: Pathogenic. Last evaluated: 2026-03-22. Review status: criteria provided, single submitter. Criteria: GeneDx Variant Classification Process June 2021. Collection method: clinical testing. Allele origin: germline.
Comment: Frameshift variant predicted to result in protein truncation or nonsense mediated decay in a gene for which loss of function is a known mechanism of disease; Not observed at significant frequency in large population cohorts (gnomAD); This variant is associated with the following publications: (PMID: 37478793)

Revvity Omics, Revvity
Classification: Likely pathogenic for Neurodevelopmental disorder with cerebellar atrophy and motor dysfunction. Last evaluated: 2022-08-15. Review status: criteria provided, single submitter. Criteria: ACMG Guidelines, 2015. Collection method: clinical testing. Allele origin: germline.

NM_015465.5(GEMIN5):c.3171dup (p.Val1058fs)

Gene: GEMIN5 (gem nuclear organelle associated protein 5; minus strand). Cytogenetic location: 5q33.2.
Variant type: Duplication.
Coding change: c.3171dup on transcript NM_015465.5 (MANE Select); coding-DNA position 3171, one base duplicated (A; older notation c.3171dupA).
Protein change: p.Val1058fs; shifts the reading frame from valine 1058.
Molecular consequence: frameshift variant.
Genome position (GRCh38, 1-based): chr5:154,898,614, T duplicated on the plus strand (A on the coding strand, the reverse complement: GEMIN5 is on the minus strand); the first of 3 consecutive T bases (chr5:154,898,614-154,898,616); duplicating any one gives the same sequence. VCF-style (leftmost placement, unchanged base first): chr5-154898613-C-CT. GRCh37 (hg19) VCF-style: chr5-154278173-C-CT.
Other names: c.3168dup, p.Val1057fs (NM_001252156.2); c.3168dup (NM_001252156.1); short protein forms V1057fs, V1058fs.
Identifiers: ClinVar variation 1327697 (VCV001327697.5), dbSNP rs1016364893, ClinGen allele CA130121979.
Genomic context (GRCh38, chr5:154,898,613, plus strand): 5'-CGATGGCAGCCAACTCTGCAGCCGTTCTAAGTGATGCCGCATCCCCCTTTTTGGCCAAAA[C>CT]TTTGGCTGCATCATAAGCACAAGTGGCCCCTAAATAGCTATAATATGAATAAAAATGTGA-3'